The following is an entry in ClinVar:

ClinVar aggregate classification (germline): Uncertain significance (1 of 4 stars; one submission).

Allele frequency attached by ClinVar (database versions not stated): gnomAD exomes 0.00002; ExAC 0.00007; ESP Exome Variant Server 0.00008; TOPMed 0.00008; gnomAD 0.00009.
gnomAD v4.1: 41 of 1,606,832 alleles (0.0026%); highest among the groups gnomAD compares: African/African-American, 0.036%; no homozygotes.

Submission:

Labcorp Genetics (formerly Invitae), Labcorp
Classification: Uncertain significance. Last evaluated: 2025-12-24. Review status: criteria provided, single submitter. Criteria: Invitae Variant Classification Sherloc (09022015). Collection method: clinical testing. Allele origin: germline.
Comment: This sequence change replaces arginine, which is basic and polar, with glutamine, which is neutral and polar, at codon 1481 of the CDK5RAP2 protein (p.Arg1481Gln). This variant is present in population databases (rs149917105, gnomAD 0.04%). This variant has not been reported in the literature in individuals affected with CDK5RAP2-related conditions. ClinVar contains an entry for this variant (Variation ID: 2181054). An algorithm developed to predict the effect of missense changes on protein structure and function outputs the following: PolyPhen-2: "Benign". The glutamine amino acid residue is found in multiple mammalian species, which suggests that this missense change does not adversely affect protein function. In summary, the available evidence is currently insufficient to determine the role of this variant in disease. Therefore, it has been classified as a Variant of Uncertain Significance.

NM_018249.6(CDK5RAP2):c.4442G>A (p.Arg1481Gln)

Gene: CDK5RAP2 (CDK5 regulatory subunit associated protein 2; minus strand). Cytogenetic location: 9q33.2.
Variant type: single nucleotide variant.
Coding change: c.4442G>A on transcript NM_018249.6 (MANE Select); coding-DNA position 4442, G replaced by A.
Protein change: p.Arg1481Gln; replaces arginine 1481 with glutamine.
Molecular consequence: missense variant. On other transcripts: non-coding transcript variant (5).
Genome position (GRCh38, 1-based): chr9:120,409,289, C>T on the plus strand (G>A on the coding strand, the complement: CDK5RAP2 is on the minus strand). VCF-style: chr9-120409289-C-T. GRCh37 (hg19) VCF-style: chr9-123171567-C-T.
Other names: c.4442G>A, p.Arg1481Gln (NM_001011649.3); c.3752G>A, p.Arg1251Gln (NM_001272039.2); c.4343G>A, p.Arg1448Gln (NM_001410992.1); c.4346G>A, p.Arg1449Gln (NM_001410993.1); c.4439G>A, p.Arg1480Gln (NM_001410994.1); short protein forms R1480Q, R1481Q, R1251Q, R1449Q, R1448Q.
Identifiers: ClinVar variation 2181054 (VCV002181054.2), dbSNP rs149917105, ClinGen allele CA5213554.